The following is an entry in ClinVar:

ClinVar aggregate classification (germline): Uncertain significance (1 of 4 stars; one submission).

Conditions:
KBG syndrome (KBGS). Also called: ANKRD11-Related KBG Syndrome. Identifiers: Orphanet 2332, MedGen C0220687, MONDO:0007846, OMIM 148050.

Allele frequency attached by ClinVar (database versions not stated): gnomAD exomes 0.00002; ExAC 0.00003; ESP Exome Variant Server 0.00008; TOPMed 0.00010; gnomAD 0.00011 and 0.00012.
gnomAD v4.1: 31 of 1,613,014 alleles (0.0019%); highest among the groups gnomAD compares: African/African-American, 0.035%; no homozygotes.

Submission:

Labcorp Genetics (formerly Invitae), Labcorp
Classification: Uncertain significance for KBG syndrome. Last evaluated: 2025-11-13. Review status: criteria provided, single submitter. Criteria: Invitae Variant Classification Sherloc (09022015). Collection method: clinical testing. Allele origin: germline.
Comment: This sequence change replaces valine, which is neutral and non-polar, with methionine, which is neutral and non-polar, at codon 2156 of the ANKRD11 protein (p.Val2156Met). This variant is present in population databases (rs145822257, gnomAD 0.03%). This variant has not been reported in the literature in individuals affected with ANKRD11-related conditions. ClinVar contains an entry for this variant (Variation ID: 1035142). Invitae Evidence Modeling of protein sequence and biophysical properties (such as structural, functional, and spatial information, amino acid conservation, physicochemical variation, residue mobility, and thermodynamic stability) indicates that this missense variant is not expected to disrupt ANKRD11 protein function with a negative predictive value of 95%. In summary, the available evidence is currently insufficient to determine the role of this variant in disease. Therefore, it has been classified as a Variant of Uncertain Significance.

NM_013275.6(ANKRD11):c.6466G>A (p.Val2156Met)

Gene: ANKRD11 (ankyrin repeat domain 11; minus strand). Cytogenetic location: 16q24.3.
Variant type: single nucleotide variant.
Coding change: c.6466G>A on transcript NM_013275.6 (MANE Select); coding-DNA position 6466, G replaced by A.
Protein change: p.Val2156Met; replaces valine 2156 with methionine.
Molecular consequence: missense variant.
Genome position (GRCh38, 1-based): chr16:89,280,076, C>T on the plus strand (G>A on the coding strand, the complement: ANKRD11 is on the minus strand). VCF-style: chr16-89280076-C-T. GRCh37 (hg19) VCF-style: chr16-89346484-C-T.
Other names: c.6466G>A, p.Val2156Met (NM_001256182.2, NM_001256183.2); short protein forms V2156M.
Identifiers: ClinVar variation 1035142 (VCV001035142.8), dbSNP rs145822257, ClinGen allele CA8241435.